The following is an entry in ClinVar:

NM_000038.6(APC):c.5720C>A (p.Ala1907Asp)

Gene: APC (APC regulator of Wnt signaling pathway; plus strand). Cytogenetic location: 5q22.2.
Variant type: single nucleotide variant.
Coding change: c.5720C>A on transcript NM_000038.6 (MANE Select); coding-DNA position 5720, C replaced by A.
Protein change: p.Ala1907Asp; replaces alanine 1907 with aspartic acid.
Molecular consequence: missense variant. On other transcripts: non-coding transcript variant (2).
Genome position (GRCh38, 1-based): chr5:112,841,314, C>A. VCF-style: chr5-112841314-C-A. GRCh37 (hg19) VCF-style: chr5-112177011-C-A.
Other names: c.5720C>A (NM_000038.5); c.5720C>A, p.Ala1907Asp (NM_001127510.3, NM_001354895.2, NM_001407450.1); c.5666C>A, p.Ala1889Asp (NM_001127511.3); c.5774C>A, p.Ala1925Asp (NM_001354896.2, NM_001407447.1, NM_001407448.1 and 1 more transcripts); c.5750C>A, p.Ala1917Asp (NM_001354897.2); c.5645C>A, p.Ala1882Asp (NM_001354898.2); c.5636C>A, p.Ala1879Asp (NM_001354899.2); c.5597C>A, p.Ala1866Asp (NM_001354900.2); and 12 more; short protein forms A1882D, A1917D, A1781D, A1848D, A1900D, A1925D, A1935D, A1523D.
Identifiers: ClinVar variation 2751160 (VCV002751160.4), dbSNP rs573184569, ClinGen allele CA16033853.

ClinVar aggregate classification (germline): Uncertain significance. Review status: criteria provided, multiple submitters, no conflicts (2 of 4 stars). 2 submissions from 2 submitters: Uncertain significance (2). Last evaluated 2023-12-15.

Conditions:
Hereditary cancer-predisposing syndrome. Also called: Neoplastic Syndromes, Hereditary; Hereditary Cancer Syndrome; Tumor predisposition; Hereditary neoplastic syndrome. Identifiers: Orphanet 140162, MedGen C0027672, MeSH D009386, MONDO:0015356.
Familial adenomatous polyposis 1 (FAP1). Also called: POLYPOSIS, ADENOMATOUS INTESTINAL; FAMILIAL ADENOMATOUS POLYPOSIS 1, ATTENUATED. Identifiers: MedGen C2713442, MONDO:0021056, OMIM 175100. Disease mechanism: loss of function.

Submissions (2):

Ambry Genetics
Classification: Uncertain significance for Hereditary cancer-predisposing syndrome. Last evaluated: 2023-12-15. Review status: criteria provided, single submitter. Criteria: Ambry Variant Classification Scheme 2023. Collection method: clinical testing. Allele origin: germline.
Comment: The p.A1907D variant (also known as c.5720C>A), located in coding exon 15 of the APC gene, results from a C to A substitution at nucleotide position 5720. The alanine at codon 1907 is replaced by aspartic acid, an amino acid with dissimilar properties. This amino acid position is conserved. In addition, in silico predictors for this gene do not accurately predict pathogenicity. Since supporting evidence is limited at this time, the clinical significance of this alteration remains unclear.

Labcorp Genetics (formerly Invitae), Labcorp
Classification: Uncertain significance for Familial adenomatous polyposis 1. Last evaluated: 2023-08-08. Review status: criteria provided, single submitter. Criteria: Invitae Variant Classification Sherloc (09022015). Collection method: clinical testing. Allele origin: germline.
Comment: In summary, the available evidence is currently insufficient to determine the role of this variant in disease. Therefore, it has been classified as a Variant of Uncertain Significance. This sequence change replaces alanine, which is neutral and non-polar, with aspartic acid, which is acidic and polar, at codon 1907 of the APC protein (p.Ala1907Asp). This variant is not present in population databases (gnomAD no frequency). This variant has not been reported in the literature in individuals affected with APC-related conditions. Advanced modeling of protein sequence and biophysical properties (such as structural, functional, and spatial information, amino acid conservation, physicochemical variation, residue mobility, and thermodynamic stability) performed at Invitae indicates that this missense variant is not expected to disrupt APC protein function.